The following is an entry in ClinVar:

ClinVar aggregate classification (germline): Benign. Review status: criteria provided, multiple submitters, no conflicts (2 of 4 stars). 11 submissions from 9 submitters: Benign (8). 3 of the submissions do not count toward it. Last evaluated 2026-02-03.

Conditions:
Warburg micro syndrome 2 (WARBM2). Also called: MICRO SYNDROME 2. Identifiers: Orphanet 2510, MedGen C3280214, MONDO:0013641, OMIM 614225.
Martsolf syndrome (MARTS). Also called: Congenital cataract with intellectual disability and hypogonadotropic hypogonadism syndrome. Identifiers: Orphanet 1387, MedGen C0796037, MONDO:0023910.

Allele frequency attached by ClinVar (database versions not stated): gnomAD 0.04737 and 0.04740; TOPMed 0.04971; gnomAD exomes 0.03511 and 0.03839; ExAC 0.04041; 1000 Genomes Project 0.05252; ESP Exome Variant Server 0.05052; 1000 Genomes Project 30x 0.05184.
gnomAD v4.1: 59,143 of 1,613,656 alleles (3.7%); highest among the groups gnomAD compares: African/African-American, 8.2%; 1,366 homozygotes.

Submissions 1 to 29 of 59:

Labcorp Genetics (formerly Invitae), Labcorp
Classification: Benign for Martsolf syndrome; Warburg micro syndrome 2. Last evaluated: 2026-02-03. Review status: criteria provided, single submitter. Criteria: Invitae Variant Classification Sherloc (09022015). Collection method: clinical testing. Allele origin: germline.

Mayo Clinic Laboratories, Mayo Clinic
Classification: Benign. Last evaluated: 2022-03-24. Review status: criteria provided, single submitter. Criteria: ACMG Guidelines, 2015. Collection method: clinical testing. Allele origin: germline. Observed: 27 variant alleles.

Genome-Nilou Lab
Classification: Benign for Martsolf syndrome 1. Last evaluated: 2021-11-07. Review status: criteria provided, single submitter. Criteria: ACMG Guidelines, 2015. Collection method: clinical testing. Allele origin: germline. Affected: no.

Genome-Nilou Lab
Classification: Benign for Warburg micro syndrome 2. Last evaluated: 2021-11-07. Review status: criteria provided, single submitter. Criteria: ACMG Guidelines, 2015. Collection method: clinical testing. Allele origin: germline. Affected: no.

Illumina Laboratory Services, Illumina
Classification: Benign for Martsolf syndrome 1. Last evaluated: 2018-01-13. Review status: criteria provided, single submitter. Criteria: ICSL Variant Classification Criteria 13 December 2019. Collection method: clinical testing. Allele origin: germline.
Comment: This variant was observed in the ICSL laboratory as part of a predisposition screen in an ostensibly healthy population. It had not been previously curated by ICSL or reported in the Human Gene Mutation Database (HGMD: prior to June 1st, 2018), and was therefore a candidate for classification through an automated scoring system. Utilizing variant allele frequency, disease prevalence and penetrance estimates, and inheritance mode, an automated score was calculated to assess if this variant is too frequent to cause the disease. Based on the score and internal cut-off values, a variant classified as benign is not then subjected to further curation. The score for this variant resulted in a classification of benign for this disease.

Illumina Laboratory Services, Illumina
Classification: Benign for Warburg micro syndrome 2. Last evaluated: 2018-01-13. Review status: criteria provided, single submitter. Criteria: ICSL Variant Classification Criteria 13 December 2019. Collection method: clinical testing. Allele origin: germline.
Comment: the same text as in the submission from Illumina Laboratory Services, Illumina above.

GeneDx
Classification: Benign. Last evaluated: 2014-04-28. Review status: criteria provided, single submitter. Criteria: GeneDx Variant Classification (06012015). Collection method: clinical testing. Allele origin: germline. Affected: yes.
Comment: This variant is considered likely benign or benign based on one or more of the following criteria: it is a conservative change, it occurs at a poorly conserved position in the protein, it is predicted to be benign by multiple in silico algorithms, and/or has population frequency not consistent with disease.

Breakthrough Genomics
Classification: Benign. Review status: criteria provided, single submitter. Criteria: ACMG Guidelines, 2015. Collection method: not provided. Allele origin: germline. Inheritance: Autosomal recessive inheritance. Affected: yes.

Clinical Genetics DNA and cytogenetics Diagnostics Lab, Erasmus MC, Erasmus Medical Center
Classification: Benign. Review status: no assertion criteria provided. Collection method: clinical testing. Allele origin: germline. Affected: yes. Study: VKGL Data-share Consensus. Not counted in ClinVar's aggregate classification.

Dr. Peter K. Rogan Lab, Western University
No classification provided (evidence only). Condition: Acute myeloid leukemia. Review status: no classification provided. Collection method: in vitro. Allele origin: not applicable. Functional consequence: retained intron. Not counted in ClinVar's aggregate classification.

Dr. Peter K. Rogan Lab, Western University
No classification provided (evidence only). Condition: Acute myeloid leukemia. Review status: no classification provided. Collection method: in vitro. Allele origin: not applicable. Functional consequence: skipped exon, retained intron. Not counted in ClinVar's aggregate classification.

Dr. Peter K. Rogan Lab, Western University
No classification provided (evidence only). Condition: Acute myeloid leukemia. Review status: no classification provided. Collection method: in vitro. Allele origin: not applicable. Functional consequence: skipped exon, retained intron. Not counted in ClinVar's aggregate classification.

Dr. Peter K. Rogan Lab, Western University
No classification provided (evidence only). Condition: Acute myeloid leukemia. Review status: no classification provided. Collection method: in vitro. Allele origin: not applicable. Functional consequence: retained intron. Not counted in ClinVar's aggregate classification.

Dr. Peter K. Rogan Lab, Western University
No classification provided (evidence only). Condition: Acute myeloid leukemia. Review status: no classification provided. Collection method: in vitro. Allele origin: not applicable. Functional consequence: retained intron. Not counted in ClinVar's aggregate classification.

Dr. Peter K. Rogan Lab, Western University
No classification provided (evidence only). Condition: Acute myeloid leukemia. Review status: no classification provided. Collection method: in vitro. Allele origin: not applicable. Functional consequence: retained intron. Not counted in ClinVar's aggregate classification.

Dr. Peter K. Rogan Lab, Western University
No classification provided (evidence only). Condition: Acute myeloid leukemia. Review status: no classification provided. Collection method: in vitro. Allele origin: not applicable. Functional consequence: skipped exon. Not counted in ClinVar's aggregate classification.

Dr. Peter K. Rogan Lab, Western University
No classification provided (evidence only). Condition: Acute myeloid leukemia. Review status: no classification provided. Collection method: in vitro. Allele origin: not applicable. Functional consequence: retained intron. Not counted in ClinVar's aggregate classification.

Dr. Peter K. Rogan Lab, Western University
No classification provided (evidence only). Condition: Acute myeloid leukemia. Review status: no classification provided. Collection method: in vitro. Allele origin: not applicable. Functional consequence: retained intron. Not counted in ClinVar's aggregate classification.

Dr. Peter K. Rogan Lab, Western University
No classification provided (evidence only). Condition: Acute myeloid leukemia. Review status: no classification provided. Collection method: in vitro. Allele origin: not applicable. Functional consequence: skipped exon, retained intron. Not counted in ClinVar's aggregate classification.

Dr. Peter K. Rogan Lab, Western University
No classification provided (evidence only). Condition: Acute myeloid leukemia. Review status: no classification provided. Collection method: in vitro. Allele origin: not applicable. Functional consequence: skipped exon. Not counted in ClinVar's aggregate classification.

Dr. Peter K. Rogan Lab, Western University
No classification provided (evidence only). Condition: Acute myeloid leukemia. Review status: no classification provided. Collection method: in vitro. Allele origin: not applicable. Functional consequence: retained intron. Not counted in ClinVar's aggregate classification.

Dr. Peter K. Rogan Lab, Western University
No classification provided (evidence only). Condition: Acute myeloid leukemia. Review status: no classification provided. Collection method: in vitro. Allele origin: not applicable. Functional consequence: retained intron. Not counted in ClinVar's aggregate classification.

Dr. Peter K. Rogan Lab, Western University
No classification provided (evidence only). Condition: Colon adenocarcinoma. Review status: no classification provided. Collection method: in vitro. Allele origin: not applicable. Functional consequence: retained intron. Not counted in ClinVar's aggregate classification.

Dr. Peter K. Rogan Lab, Western University
No classification provided (evidence only). Condition: Colon adenocarcinoma. Review status: no classification provided. Collection method: in vitro. Allele origin: not applicable. Functional consequence: retained intron. Not counted in ClinVar's aggregate classification.

Dr. Peter K. Rogan Lab, Western University
No classification provided (evidence only). Condition: Colon adenocarcinoma. Review status: no classification provided. Collection method: in vitro. Allele origin: not applicable. Functional consequence: retained intron. Not counted in ClinVar's aggregate classification.

Dr. Peter K. Rogan Lab, Western University
No classification provided (evidence only). Condition: Colorectal cancer. Review status: no classification provided. Collection method: in vitro. Allele origin: not applicable. Functional consequence: retained intron. Not counted in ClinVar's aggregate classification.

Dr. Peter K. Rogan Lab, Western University
No classification provided (evidence only). Condition: Colorectal cancer. Review status: no classification provided. Collection method: in vitro. Allele origin: not applicable. Functional consequence: retained intron. Not counted in ClinVar's aggregate classification.

Dr. Peter K. Rogan Lab, Western University
No classification provided (evidence only). Condition: Colorectal cancer. Review status: no classification provided. Collection method: in vitro. Allele origin: not applicable. Functional consequence: retained intron. Not counted in ClinVar's aggregate classification.

Dr. Peter K. Rogan Lab, Western University
No classification provided (evidence only). Condition: Malignant lymphoma, large B-cell, diffuse. Review status: no classification provided. Collection method: in vitro. Allele origin: not applicable. Functional consequence: retained intron. Not counted in ClinVar's aggregate classification.

NM_012414.4(RAB3GAP2):c.2587A>G (p.Thr863Ala)

Gene: RAB3GAP2 (RAB3 GTPase activating non-catalytic protein subunit 2; minus strand). Cytogenetic location: 1q41.
Variant type: single nucleotide variant.
Coding change: c.2587A>G on transcript NM_012414.4 (MANE Select); coding-DNA position 2587, A replaced by G.
Protein change: p.Thr863Ala; replaces threonine 863 with alanine.
Molecular consequence: missense variant.
Genome position (GRCh38, 1-based): chr1:220,171,111, T>C on the plus strand (A>G on the coding strand, the complement: RAB3GAP2 is on the minus strand). VCF-style: chr1-220171111-T-C. GRCh37 (hg19) VCF-style: chr1-220344453-T-C.
Other names: p.T863A:ACA>GCA; short protein forms T863A.
Identifiers: ClinVar variation 130078 (VCV000130078.28), dbSNP rs12045447, ClinGen allele CA154862.